The following is an entry in ClinVar:

ClinVar aggregate classification (germline): Pathogenic (1 of 4 stars; one submission).

Conditions:
Familial intrahepatic cholestasis. Identifiers: Orphanet 284385, MedGen CN296401, MONDO:0017290.

Submission:

Genomenon, Inc
Classification: Pathogenic for Familial intrahepatic cholestasis. Last evaluated: 2026-04-14. Review status: criteria provided, single submitter. Criteria: Genomenon Sequence Variant Interpretation Standards - Updated. Collection method: curation. Allele origin: germline. Affected: yes.
Comment: ABCB11 c.390-2A>G is a canonical splice variant affecting the acceptor splice site of intron 5. It is predicted to affect mRNA splicing, leading to a deleterious effect on the ABCB11 protein. This variant has been observed in at least one proband with an ABCB11-related disorder (PMID:35490150). At least one splicing study has demonstrated that this variant results in aberrant splicing (PMID:35490150). It is absent or not present at a significant frequency in gnomAD. In conclusion, we classify ABCB11 c.390-2A>G as a pathogenic variant.

Literature cited by the submitters: PubMed 35490150.

NM_003742.4(ABCB11):c.390-2A>G

Gene: ABCB11 (ATP binding cassette subfamily B member 11; minus strand). Cytogenetic location: 2q31.1.
Variant type: single nucleotide variant.
Coding change: c.390-2A>G on transcript NM_003742.4 (MANE Select); the canonical splice acceptor site of the intron before coding-DNA position 390, A replaced by G.
Molecular consequence: splice acceptor variant.
Genome position (GRCh38, 1-based): chr2:168,996,724, T>C on the plus strand (A>G on the coding strand, the complement: ABCB11 is on the minus strand). VCF-style: chr2-168996724-T-C. GRCh37 (hg19) VCF-style: chr2-169853234-T-C.
Identifiers: ClinVar variation 4846714 (VCV004846714.1).